The following is an entry in ClinVar:

NM_020184.4(CNNM4):c.1461C>T (p.Phe487=)

Gene: CNNM4 (cyclin and CBS domain divalent metal cation transport mediator 4; plus strand). Cytogenetic location: 2q11.2.
Variant type: single nucleotide variant.
Coding change: c.1461C>T on transcript NM_020184.4 (MANE Select); coding-DNA position 1461, C replaced by T.
Protein change: p.Phe487=; no amino-acid change (phenylalanine 487 retained).
Molecular consequence: synonymous variant.
Genome position (GRCh38, 1-based): chr2:96,797,070, C>T. VCF-style: chr2-96797070-C-T. GRCh37 (hg19) VCF-style: chr2-97462807-C-T.
Identifiers: ClinVar variation 773838 (VCV000773838.17), dbSNP rs147804021, ClinGen allele CA1783365.
Genomic context (GRCh38, chr2:96,797,070, plus strand): 5'-AGGGAAGTCCCACCTGGCCATCGTGCAGAAGGTAAACAACGAGGGTGAGGGTGACCCCTT[C>T]TACGAGGTCCTGGGCCTGGTCACCCTGGAGGACGTGATCGAGGAGATCATCAAGTCGGAG-3'
Protein context (NP_064569.3, residues 477-497): KVNNEGEGDP[Phe487=]YEVLGLVTLE

ClinVar aggregate classification (germline): Benign/Likely benign. Review status: criteria provided, multiple submitters, no conflicts (2 of 4 stars). 5 submissions from 5 submitters: Benign (1); Likely benign (3). 1 of the submissions does not count toward it. Last evaluated 2026-01-05.

Conditions:
CNNM4-related disorder. Also called: CNNM4-related condition.
Jalili syndrome. Also called: CONE-ROD DYSTROPHY AND AMELOGENESIS IMPERFECTA. Identifiers: Orphanet 1873, MedGen C3495589, MONDO:0009007, OMIM 217080.

Allele frequency attached by ClinVar (database versions not stated): gnomAD exomes 0.00016 and 0.00050; ExAC 0.00059; 1000 Genomes Project 0.00120; 1000 Genomes Project 30x 0.00125; gnomAD 0.00200 and 0.00214; TOPMed 0.00239; ESP Exome Variant Server 0.00254.
gnomAD v4.1: 556 of 1,614,104 alleles (0.034%); highest among the groups gnomAD compares: African/African-American, 0.65%; 1 homozygote.

Submissions (5):

Labcorp Genetics (formerly Invitae), Labcorp
Classification: Benign. Last evaluated: 2026-01-05. Review status: criteria provided, single submitter. Criteria: Invitae Variant Classification Sherloc (09022015). Collection method: clinical testing. Allele origin: germline.

Blueprint Genetics
Classification: Likely benign. Last evaluated: 2024-07-16. Review status: criteria provided, single submitter. Criteria: ACMG Guidelines, 2015. Collection method: clinical testing. Allele origin: germline.

Illumina Laboratory Services, Illumina
Classification: Likely benign for Jalili syndrome. Last evaluated: 2018-01-12. Review status: criteria provided, single submitter. Criteria: ICSL Variant Classification Criteria 13 December 2019. Collection method: clinical testing. Allele origin: germline.
Comment: This variant was observed in the ICSL laboratory as part of a predisposition screen in an ostensibly healthy population. It had not been previously curated by ICSL or reported in the Human Gene Mutation Database (HGMD: prior to June 1st, 2018), and was therefore a candidate for classification through an automated scoring system. Utilizing variant allele frequency, disease prevalence and penetrance estimates, and inheritance mode, an automated score was calculated to assess if this variant is too frequent to cause the disease. Based on the score and internal cut-off values, a variant classified as likely benign is not then subjected to further curation. The score for this variant resulted in a classification of likely benign for this disease.

Breakthrough Genomics
Classification: Likely benign. Review status: criteria provided, single submitter. Criteria: ACMG Guidelines, 2015. Collection method: not provided. Allele origin: germline. Inheritance: Autosomal recessive inheritance. Affected: yes.

PreventionGenetics, part of Exact Sciences
Classification: Benign for CNNM4-related condition. Last evaluated: 2019-08-29. Review status: no assertion criteria provided. Collection method: clinical testing. Allele origin: germline. Not counted in ClinVar's aggregate classification.
Comment: This variant is classified as benign based on ACMG/AMP sequence variant interpretation guidelines (Richards et al. 2015 PMID: 25741868, with internal and published modifications).